The following is an entry in ClinVar:

ClinVar aggregate classification (germline): Benign. Review status: criteria provided, multiple submitters, no conflicts (2 of 4 stars). 2 submissions from 2 submitters: Benign (2). Last evaluated 2018-06-18.

Allele frequency attached by ClinVar (database versions not stated): 1000 Genomes Project 0.01977; 1000 Genomes Project 30x 0.02030; gnomAD 0.03330 and 0.03399; TOPMed 0.03478; gnomAD exomes 0.04674.
gnomAD v4.1: 69,534 of 1,543,198 alleles (4.5%); highest among the groups gnomAD compares: Admixed American, 6.8%; 1,852 homozygotes.

Submissions (2):

GeneDx
Classification: Benign. Last evaluated: 2018-06-18. Review status: criteria provided, single submitter. Criteria: GeneDx Variant Classification (06012015). Collection method: clinical testing. Allele origin: germline. Affected: yes.
Comment: This variant is considered likely benign or benign based on one or more of the following criteria: it is a conservative change, it occurs at a poorly conserved position in the protein, it is predicted to be benign by multiple in silico algorithms, and/or has population frequency not consistent with disease.

Breakthrough Genomics
Classification: Benign. Review status: criteria provided, single submitter. Criteria: ACMG Guidelines, 2015. Collection method: not provided. Allele origin: germline. Inheritance: Autosomal dominant inheritance. Affected: yes.

NM_001035.3(RYR2):c.3598+54C>T

Gene: RYR2 (ryanodine receptor 2; plus strand). Cytogenetic location: 1q43.
Variant type: single nucleotide variant.
Coding change: c.3598+54C>T on transcript NM_001035.3 (MANE Select); 54 bases into the intron after coding-DNA position 3598, C replaced by T.
Molecular consequence: intron variant.
Genome position (GRCh38, 1-based): chr1:237,569,373, C>T. VCF-style: chr1-237569373-C-T. GRCh37 (hg19) VCF-style: chr1-237732673-C-T.
Identifiers: ClinVar variation 671262 (VCV000671262.2), dbSNP rs12740534, ClinGen allele CA39783564.
Genomic context (GRCh38, chr1:237,569,373, plus strand): 5'-GGCGATGGTAAGTCTACTATGTTTTGTGTTTTTTTTAAGTTTGCAGCACAAGGAAGCTTT[C>T]ATCCTGAGGCTTCCTAACCGGGCGTTTCTGTTTCAGGGTGAGTGAGCAGATGAGTTGCAG-3'